The following is an entry in ClinVar:

NM_000051.4(ATM):c.208A>G (p.Lys70Glu)

Gene: ATM (ATM serine/threonine kinase; plus strand). Cytogenetic location: 11q22.3.
Variant type: single nucleotide variant.
Coding change: c.208A>G on transcript NM_000051.4 (MANE Select); coding-DNA position 208, A replaced by G.
Protein change: p.Lys70Glu; replaces lysine 70 with glutamic acid.
Molecular consequence: missense variant.
Genome position (GRCh38, 1-based): chr11:108,229,200, A>G. VCF-style: chr11-108229200-A-G. GRCh37 (hg19) VCF-style: chr11-108099927-A-G.
Other names: c.208A>G, p.Lys70Glu (NM_001351834.2, NM_001351835.2, NM_001351836.2); short protein forms K70E.
Identifiers: ClinVar variation 1720845 (VCV001720845.6), dbSNP rs2135033500, ClinGen allele CA382521279.
Genomic context (GRCh38, chr11:108,229,200, plus strand): 5'-TCAACGAGTTTCTGAAATTGCATTTTGTTTTCTTGAAGATTTTTACAGAAATATATTCAG[A>G]AAGAAACAGAATGTCTGAGAATAGCAAAACCAAATGTATCAGCCTCAACACAAGCCTCCA-3'
Protein context (NP_000042.3, residues 60-80): VFRFLQKYIQ[Lys70Glu]ETECLRIAKP

ClinVar aggregate classification (germline): Uncertain significance. Review status: criteria provided, multiple submitters, no conflicts (2 of 4 stars). 2 submissions from 2 submitters: Uncertain significance (2). Last evaluated 2026-03-07.

Conditions:
Hereditary cancer-predisposing syndrome. Also called: Tumor predisposition; Hereditary Cancer Syndrome; Hereditary neoplastic syndrome; Neoplastic Syndromes, Hereditary. Identifiers: Orphanet 140162, MedGen C0027672, MeSH D009386, MONDO:0015356.
Ataxia-telangiectasia syndrome (AT). Also called: AT, COMPLEMENTATION GROUP C; ATAXIA-TELANGIECTASIA, COMPLEMENTATION GROUP A; ATAXIA-TELANGIECTASIA, FRESNO VARIANT; Ataxia-telangiectasia; Ataxia-telangiectasia, complementation group E; Ataxia telangiectasia (A-T). Identifiers: Orphanet 100, MedGen C0004135, MONDO:0008840, OMIM 208900.

Submissions (2):

Ambry Genetics
Classification: Uncertain significance for Hereditary cancer-predisposing syndrome. Last evaluated: 2026-03-07. Review status: criteria provided, single submitter. Criteria: Ambry Variant Classification Scheme 2023. Collection method: clinical testing. Allele origin: germline.
Comment: The p.K70E variant (also known as c.208A>G), located in coding exon 3 of the ATM gene, results from an A to G substitution at nucleotide position 208. The lysine at codon 70 is replaced by glutamic acid, an amino acid with similar properties. This amino acid position is conserved. In addition, this alteration is predicted to be deleterious by in silico analysis. Based on the available evidence, the clinical significance of this variant remains unclear.

Labcorp Genetics (formerly Invitae), Labcorp
Classification: Uncertain significance for Ataxia-telangiectasia syndrome. Last evaluated: 2022-10-02. Review status: criteria provided, single submitter. Criteria: Invitae Variant Classification Sherloc (09022015). Collection method: clinical testing. Allele origin: germline.
Comment: In summary, the available evidence is currently insufficient to determine the role of this variant in disease. Therefore, it has been classified as a Variant of Uncertain Significance. Advanced modeling of protein sequence and biophysical properties (such as structural, functional, and spatial information, amino acid conservation, physicochemical variation, residue mobility, and thermodynamic stability) performed at Invitae indicates that this missense variant is not expected to disrupt ATM protein function. This variant has not been reported in the literature in individuals affected with ATM-related conditions. This variant is not present in population databases (gnomAD no frequency). This sequence change replaces lysine, which is basic and polar, with glutamic acid, which is acidic and polar, at codon 70 of the ATM protein (p.Lys70Glu).